The following is an entry in ClinVar:

ClinVar aggregate classification (germline): Uncertain significance (1 of 4 stars; one submission).

Conditions:
Cardiovascular phenotype. Identifiers: MedGen CN230736.

Submission:

Ambry Genetics
Classification: Uncertain significance for Cardiovascular phenotype. Last evaluated: 2026-02-11. Review status: criteria provided, single submitter. Criteria: Ambry Variant Classification Scheme 2023. Collection method: clinical testing. Allele origin: germline.
Comment: The c.1005delT variant, located in coding exon 6 of the ACTC1 gene, results from a deletion of one nucleotide at nucleotide position 1005, causing a translational frameshift with a predicted alternate stop codon (p.E336Sfs*113). This variant is expected to result in protein truncation. However, loss of function has not been established as a mechanism of disease. Based on the available evidence, the clinical significance of this variant remains unclear.

NM_005159.5(ACTC1):c.1005del (p.Glu336fs)

Genes: ACTC1 (actin alpha cardiac muscle 1; minus strand), GJD2-DT (GJD2 divergent transcript; plus strand). Cytogenetic location: 15q14.
Variant type: Deletion.
Coding change: c.1005del on transcript NM_005159.5 (MANE Select); coding-DNA position 1005, one base deleted (T; older notation c.1005delT).
Protein change: p.Glu336fs; shifts the reading frame from glutamic acid 336.
Molecular consequence: frameshift variant.
Genome position (GRCh38, 1-based): chr15:34,790,541, A deleted on the plus strand (T on the coding strand, the reverse complement: ACTC1 is on the minus strand). VCF-style (leftmost placement, unchanged base first): chr15-34790540-CA-C. GRCh37 (hg19) VCF-style: chr15-35082741-CA-C.
Other names: c.1005del, p.Glu336fs (NM_001406482.1, NM_001406483.1); c.870del, p.Glu291fs (NM_001406484.1); c.564del, p.Glu189fs (NM_001406485.1); short protein forms E189fs, E291fs, E336fs.
Identifiers: ClinVar variation 4844293 (VCV004844293.1).